The following is an entry in ClinVar:

ClinVar aggregate classification (germline): Uncertain significance (1 of 4 stars; one submission).

gnomAD v4.1: 3 of 1,614,174 alleles (0.00019%); highest among the groups gnomAD compares: Non-Finnish European, 0.00025%; no homozygotes.

Submission:

Labcorp Genetics (formerly Invitae), Labcorp
Classification: Uncertain significance. Last evaluated: 2022-03-13. Review status: criteria provided, single submitter. Criteria: Invitae Variant Classification Sherloc (09022015). Collection method: clinical testing. Allele origin: germline.
Comment: In summary, the available evidence is currently insufficient to determine the role of this variant in disease. Therefore, it has been classified as a Variant of Uncertain Significance. Algorithms developed to predict the effect of missense changes on protein structure and function are either unavailable or do not agree on the potential impact of this missense change (SIFT: "Tolerated"; PolyPhen-2: "Probably Damaging"; Align-GVGD: "Class C0"). This variant has not been reported in the literature in individuals affected with ERCC5-related conditions. This variant is not present in population databases (gnomAD no frequency). This sequence change replaces alanine, which is neutral and non-polar, with proline, which is neutral and non-polar, at codon 347 of the ERCC5 protein (p.Ala347Pro).

NM_000123.4(ERCC5):c.1039G>C (p.Ala347Pro)

Genes: BIVM-ERCC5 (BIVM-ERCC5 readthrough; plus strand), ERCC5 (ERCC excision repair 5, endonuclease; plus strand). Cytogenetic location: 13q33.1.
Variant type: single nucleotide variant.
Coding change: c.1039G>C on transcript NM_000123.4 (MANE Select); coding-DNA position 1039, G replaced by C.
Protein change: p.Ala347Pro; replaces alanine 347 with proline.
Molecular consequence: missense variant.
Genome position (GRCh38, 1-based): chr13:102,862,188, G>C. VCF-style: chr13-102862188-G-C. GRCh37 (hg19) VCF-style: chr13-103514538-G-C.
Other names: c.2401G>C, p.Ala801Pro (NM_001204425.2); short protein forms A801P, A347P.
Identifiers: ClinVar variation 1948020 (VCV001948020.5), dbSNP rs759962943, ClinGen allele CA388571886.
Genomic context (GRCh38, chr13:102,862,188, plus strand): 5'-GAAAAACTGAAGACAGAGAAAGAGCCTGATGCTACCCCTCCTTCTCCAAGAACTTTACTA[G>C]CTATGCAAGCTGCCCTGCTGGGAAGTAGCTCAGAAGAGGAGCTGGAGAGTGAAAATCGAA-3'
Protein context (NP_000114.3, residues 337-357): ATPPSPRTLL[Ala347Pro]MQAALLGSSS